The following is an entry in ClinVar:

NM_024675.4(PALB2):c.2216C>T (p.Pro739Leu)

Gene: PALB2 (partner and localizer of BRCA2; minus strand). Cytogenetic location: 16p12.2.
Variant type: single nucleotide variant.
Coding change: c.2216C>T on transcript NM_024675.4 (MANE Select); coding-DNA position 2216, C replaced by T.
Protein change: p.Pro739Leu; replaces proline 739 with leucine.
Molecular consequence: missense variant.
Genome position (GRCh38, 1-based): chr16:23,629,938, G>A on the plus strand (C>T on the coding strand, the complement: PALB2 is on the minus strand). VCF-style: chr16-23629938-G-A. GRCh37 (hg19) VCF-style: chr16-23641259-G-A.
Other names: short protein forms P739L.
Identifiers: ClinVar variation 1012396 (VCV001012396.17), dbSNP rs1966858909, ClinGen allele CA395125559.

ClinVar aggregate classification (germline): Uncertain significance. Review status: criteria provided, multiple submitters, no conflicts (2 of 4 stars). 2 submissions from 2 submitters: Uncertain significance (2). Last evaluated 2024-03-04.

Conditions:
Pancreatic cancer, susceptibility to, 3. Identifiers: Orphanet 1333, MedGen C3150547, MONDO:0013236, OMIM 613348.
Familial cancer of breast. Also called: hereditary breast carcinoma; BREAST CANCER, FAMILIAL; Hereditary breast cancer. Identifiers: Orphanet 227535, MedGen C0346153, MONDO:0016419, OMIM 114480. Disease mechanism: loss of function.
Fanconi anemia complementation group N. Also called: PALB2-Related Fanconi Anemia. Identifiers: Orphanet 84, MedGen C1835817, MONDO:0012565, OMIM 610832. Disease mechanism: loss of function.

Submissions (2):

Labcorp Genetics (formerly Invitae), Labcorp
Classification: Uncertain significance for Familial cancer of breast. Last evaluated: 2024-03-04. Review status: criteria provided, single submitter. Criteria: Invitae Variant Classification Sherloc (09022015). Collection method: clinical testing. Allele origin: germline.
Comment: This sequence change replaces proline, which is neutral and non-polar, with leucine, which is neutral and non-polar, at codon 739 of the PALB2 protein (p.Pro739Leu). This variant is not present in population databases (gnomAD no frequency). This missense change has been observed in individual(s) with breast cancer (PMID: 28825143). ClinVar contains an entry for this variant (Variation ID: 1012396). Advanced modeling of protein sequence and biophysical properties (such as structural, functional, and spatial information, amino acid conservation, physicochemical variation, residue mobility, and thermodynamic stability) performed at Invitae indicates that this missense variant is not expected to disrupt PALB2 protein function with a negative predictive value of 80%. In summary, the available evidence is currently insufficient to determine the role of this variant in disease. Therefore, it has been classified as a Variant of Uncertain Significance.

Fulgent Genetics
Classification: Uncertain significance for Familial cancer of breast; Fanconi anemia complementation group N; Pancreatic cancer, susceptibility to, 3. Last evaluated: 2022-04-25. Review status: criteria provided, single submitter. Criteria: ACMG Guidelines, 2015. Collection method: clinical testing. Allele origin: unknown.

Literature cited by the submitters: PubMed 28825143 (cited by Labcorp Genetics (formerly Invitae), Labcorp).